The following is an entry in ClinVar:

ClinVar aggregate classification (germline): Uncertain significance. Review status: criteria provided, multiple submitters, no conflicts (2 of 4 stars). 2 submissions from 2 submitters: Uncertain significance (2). Last evaluated 2025-12-01.

Conditions:
Dilated cardiomyopathy 1O (CMD1O). Also called: CARDIOMYOPATHY, DILATED, WITH VENTRICULAR TACHYCARDIA. Identifiers: Orphanet 154, MedGen C1837839, MONDO:0012062, OMIM 608569.

Submissions (2):

CeGaT Center for Human Genetics Tuebingen
Classification: Uncertain significance. Last evaluated: 2025-12-01. Review status: criteria provided, single submitter. Criteria: CeGaT Center For Human Genetics Tuebingen Variant Classification Criteria Version 2. Collection method: clinical testing. Allele origin: germline. Affected: yes. Observed: 1 variant allele.
Comment: ABCC9: PM2, PM1:Supporting, PP2

Labcorp Genetics (formerly Invitae), Labcorp
Classification: Uncertain significance for Dilated cardiomyopathy 1O. Last evaluated: 2022-12-26. Review status: criteria provided, single submitter. Criteria: Invitae Variant Classification Sherloc (09022015). Collection method: clinical testing. Allele origin: germline.
Comment: This sequence change replaces threonine, which is neutral and polar, with proline, which is neutral and non-polar, at codon 554 of the ABCC9 protein (p.Thr554Pro). This variant is not present in population databases (gnomAD no frequency). This variant has not been reported in the literature in individuals affected with ABCC9-related conditions. Algorithms developed to predict the effect of missense changes on protein structure and function are either unavailable or do not agree on the potential impact of this missense change (SIFT: "Deleterious"; PolyPhen-2: "Probably Damaging"; Align-GVGD: "Class C0"). In summary, the available evidence is currently insufficient to determine the role of this variant in disease. Therefore, it has been classified as a Variant of Uncertain Significance.

NM_020297.4(ABCC9):c.1660A>C (p.Thr554Pro)

Gene: ABCC9 (ATP binding cassette subfamily C member 9; minus strand). Cytogenetic location: 12p12.1.
Variant type: single nucleotide variant.
Coding change: c.1660A>C on transcript NM_020297.4 (MANE Select); coding-DNA position 1660, A replaced by C.
Protein change: p.Thr554Pro; replaces threonine 554 with proline.
Molecular consequence: missense variant.
Genome position (GRCh38, 1-based): chr12:21,894,174, T>G on the plus strand (A>C on the coding strand, the complement: ABCC9 is on the minus strand). VCF-style: chr12-21894174-T-G. GRCh37 (hg19) VCF-style: chr12-22047108-T-G.
Other names: c.1660A>C, p.Thr554Pro (NM_001377273.1, NM_005691.4); c.796A>C, p.Thr266Pro (NM_001377274.1); short protein forms T266P, T554P.
Identifiers: ClinVar variation 3013317 (VCV003013317.8), dbSNP rs2541512241, ClinGen allele CA384137494.